The following is an entry in ClinVar:

ClinVar aggregate classification (germline): Uncertain significance (1 of 4 stars; one submission).

Conditions:
Congenital myotonia, autosomal recessive form. Also called: Becker Generalized Myotonia; BECKER DISEASE; myotonia congenita, autosomal recessive. Identifiers: Orphanet 614, MedGen C0751360, MONDO:0009715, OMIM 255700.
Congenital myotonia, autosomal dominant form (THD). Also called: THOMSEN DISEASE; Myotonia congenita autosomal dominant. Identifiers: Orphanet 614, MedGen C2936781, MONDO:0008055, OMIM 160800.

Allele frequency attached by ClinVar (database versions not stated): gnomAD exomes below 0.00001.
gnomAD v4.1: 1 of 1,613,674 alleles (0.000062%); highest among the groups gnomAD compares: Non-Finnish European, 0.000085%; no homozygotes.

Submission:

Labcorp Genetics (formerly Invitae), Labcorp
Classification: Uncertain significance for Congenital myotonia, autosomal recessive form; Congenital myotonia, autosomal dominant form. Last evaluated: 2021-06-28. Review status: criteria provided, single submitter. Criteria: Invitae Variant Classification Sherloc (09022015). Collection method: clinical testing. Allele origin: germline.
Comment: This sequence change replaces asparagine with aspartic acid at codon 336 of the CLCN1 protein (p.Asn336Asp). The asparagine residue is highly conserved and there is a small physicochemical difference between asparagine and aspartic acid. This variant is not present in population databases (ExAC no frequency). This variant has not been reported in the literature in individuals with CLCN1-related conditions. Algorithms developed to predict the effect of missense changes on protein structure and function are either unavailable or do not agree on the potential impact of this missense change (SIFT: "Deleterious"; PolyPhen-2: "Benign"; Align-GVGD: "Class C15"). In summary, the available evidence is currently insufficient to determine the role of this variant in disease. Therefore, it has been classified as a Variant of Uncertain Significance.

NM_000083.3(CLCN1):c.1006A>G (p.Asn336Asp)

Gene: CLCN1 (chloride voltage-gated channel 1; plus strand). Cytogenetic location: 7q34.
Variant type: single nucleotide variant.
Coding change: c.1006A>G on transcript NM_000083.3 (MANE Select); coding-DNA position 1006, A replaced by G.
Protein change: p.Asn336Asp; replaces asparagine 336 with aspartic acid.
Molecular consequence: missense variant. On other transcripts: non-coding transcript variant (1).
Genome position (GRCh38, 1-based): chr7:143,331,258, A>G. VCF-style: chr7-143331258-A-G. GRCh37 (hg19) VCF-style: chr7-143028351-A-G.
Other names: short protein forms N336D.
Identifiers: ClinVar variation 1441385 (VCV001441385.8), dbSNP rs2116852905, ClinGen allele CA369641819.